The following is an entry in ClinVar:

NM_000535.7(PMS2):c.1370G>C (p.Ser457Thr)

Gene: PMS2 (PMS1 homolog 2, mismatch repair system component; minus strand). Cytogenetic location: 7p22.1.
Variant type: single nucleotide variant.
Coding change: c.1370G>C on transcript NM_000535.7 (MANE Select); coding-DNA position 1370, G replaced by C.
Protein change: p.Ser457Thr; replaces serine 457 with threonine.
Molecular consequence: missense variant. On other transcripts: non-coding transcript variant (1).
Genome position (GRCh38, 1-based): chr7:5,987,395, C>G on the plus strand (G>C on the coding strand, the complement: PMS2 is on the minus strand). VCF-style: chr7-5987395-C-G. GRCh37 (hg19) VCF-style: chr7-6027026-C-G.
Other names: c.965G>C, p.Ser322Thr (NM_001018040.1, NM_001322003.2, NM_001322004.2 and 17 more transcripts); c.1214G>C, p.Ser405Thr (NM_001322006.2, NM_001406870.1); c.1052G>C, p.Ser351Thr (NM_001322007.2, NM_001322008.2, NM_001406876.1 and 2 more transcripts); c.809G>C, p.Ser270Thr (NM_001322010.2, NM_001406906.1, NM_001406907.1); c.437G>C, p.Ser146Thr (NM_001322011.2, NM_001322012.2); c.797G>C, p.Ser266Thr (NM_001322013.2, NM_001406909.1); c.1370G>C, p.Ser457Thr (NM_001322014.2, NM_001406871.1, NM_001406872.1); c.1061G>C, p.Ser354Thr (NM_001322015.2, NM_001406875.1, NM_001406877.1 and 5 more transcripts); and 12 more; short protein forms S270T, S286T, S299T, S457T, S266T, S335T, S351T, S401T.
Identifiers: ClinVar variation 1771036 (VCV001771036.2), dbSNP rs2128732209, ClinGen allele CA366742215.

ClinVar aggregate classification (germline): Uncertain significance (1 of 4 stars; one submission).

Conditions:
Hereditary cancer-predisposing syndrome. Also called: Hereditary Cancer Syndrome; Hereditary neoplastic syndrome; Neoplastic Syndromes, Hereditary; Tumor predisposition. Identifiers: Orphanet 140162, MedGen C0027672, MeSH D009386, MONDO:0015356.

Allele frequency attached by ClinVar (database versions not stated): gnomAD exomes below 0.00001.
gnomAD v4.1: 1 of 1,614,164 alleles (0.000062%); highest among the groups gnomAD compares: Non-Finnish European, 0.000085%; no homozygotes.

Submission:

Ambry Genetics
Classification: Uncertain significance for Hereditary cancer-predisposing syndrome. Last evaluated: 2022-05-11. Review status: criteria provided, single submitter. Criteria: Ambry Variant Classification Scheme 2023. Collection method: clinical testing. Allele origin: germline.
Comment: The p.S457T variant (also known as c.1370G>C), located in coding exon 11 of the PMS2 gene, results from a G to C substitution at nucleotide position 1370. The serine at codon 457 is replaced by threonine, an amino acid with similar properties. This amino acid position is conserved. In addition, this alteration is predicted to be tolerated by in silico analysis. Since supporting evidence is limited at this time, the clinical significance of this alteration remains unclear.